The following is an entry in ClinVar:

NM_001365536.1(SCN9A):c.5858C>T (p.Thr1953Ile)

Genes: SCN1A-AS1 (SCN1A and SCN9A antisense RNA 1; plus strand), SCN9A (sodium voltage-gated channel alpha subunit 9; minus strand). Cytogenetic location: 2q24.3.
Variant type: single nucleotide variant.
Coding change: c.5858C>T on transcript NM_001365536.1 (MANE Select); coding-DNA position 5858, C replaced by T.
Protein change: p.Thr1953Ile; replaces threonine 1953 with isoleucine.
Molecular consequence: missense variant.
Genome position (GRCh38, 1-based): chr2:166,198,781, G>A on the plus strand (C>T on the coding strand, the complement: SCN9A is on the minus strand). VCF-style: chr2-166198781-G-A. GRCh37 (hg19) VCF-style: chr2-167055291-G-A.
Other names: c.5825C>T, p.Thr1942Ile (NM_002977.4); short protein forms T1953I, T1942I.
Identifiers: ClinVar variation 917569 (VCV000917569.9), dbSNP rs1222885641, ClinGen allele CA349051338.

ClinVar aggregate classification (germline): Uncertain significance. Review status: criteria provided, multiple submitters, no conflicts (2 of 4 stars). 2 submissions from 2 submitters: Uncertain significance (2). Last evaluated 2024-02-05.

Conditions:
Generalized epilepsy with febrile seizures plus, type 7 (GEFSP7). Also called: GEFS+, TYPE 7. Identifiers: Orphanet 36387, MedGen C2751778, MONDO:0013470, OMIM 613863.
Neuropathy, hereditary sensory and autonomic, type 2A (HSAN2A). Also called: MORVAN DISEASE; NEUROPATHY, CONGENITAL SENSORY; NEUROPATHY, HEREDITARY SENSORY RADICULAR, AUTOSOMAL RECESSIVE; NEUROPATHY, HEREDITARY SENSORY, TYPE IIA; NEUROPATHY, PROGRESSIVE SENSORY, OF CHILDREN; WNK1-Related HSAN2 (HSAN2A). Identifiers: Orphanet 970, MedGen C2752089, MONDO:0024309, OMIM 201300.

Allele frequency attached by ClinVar (database versions not stated): gnomAD exomes below 0.00001 and 0.00001; TOPMed 0.00001.
gnomAD v4.1: 5 of 1,613,460 alleles (0.00031%); highest among the groups gnomAD compares: Admixed American, 0.005%; no homozygotes.

Submissions (2):

Labcorp Genetics (formerly Invitae), Labcorp
Classification: Uncertain significance for Neuropathy, hereditary sensory and autonomic, type 2A; Generalized epilepsy with febrile seizures plus, type 7. Last evaluated: 2024-02-05. Review status: criteria provided, single submitter. Criteria: Invitae Variant Classification Sherloc (09022015). Collection method: clinical testing. Allele origin: germline.
Comment: This sequence change replaces threonine, which is neutral and polar, with isoleucine, which is neutral and non-polar, at codon 1942 of the SCN9A protein (p.Thr1942Ile). This variant is present in population databases (no rsID available, gnomAD 0.006%). This variant has not been reported in the literature in individuals affected with SCN9A-related conditions. ClinVar contains an entry for this variant (Variation ID: 917569). Algorithms developed to predict the effect of missense changes on protein structure and function output the following: SIFT: "Not Available"; PolyPhen-2: "Benign"; Align-GVGD: "Not Available". The isoleucine amino acid residue is found in multiple mammalian species, which suggests that this missense change does not adversely affect protein function. In summary, the available evidence is currently insufficient to determine the role of this variant in disease. Therefore, it has been classified as a Variant of Uncertain Significance.

Women's Health and Genetics/Laboratory Corporation of America, LabCorp
Classification: Uncertain significance. Last evaluated: 2020-12-07. Review status: criteria provided, single submitter. Criteria: LabCorp Variant Classification Summary - May 2015. Collection method: clinical testing. Allele origin: germline.
Comment: Variant summary: SCN9A c.5825C>T (p.Thr1942Ile) results in a non-conservative amino acid change in the encoded protein sequence. Three of five in-silico tools predict a benign effect of the variant on protein function. The variant allele was found at a frequency of 1.2e-05 in 248302 control chromosomes (gnomAD). The available data on variant occurrences in the general population are insufficient to allow any conclusion about variant significance. c.5825C>T has been reported in the literature in one family affected with Paroxysmal Extreme Pain Disorder (Jerez_2019). Specifically, the variant was detected in two affected family members (proband and father) but also, in an unaffected family member (older brother of the proband). This report does not provide unequivocal conclusions about association of the variant with Primary erythromelalgia. To our knowledge, no experimental evidence demonstrating an impact on protein function has been reported. No clinical diagnostic laboratories have submitted clinical-significance assessments for this variant to ClinVar after 2014. Based on the evidence outlined above, the variant was classified as uncertain significance.